The following is an entry in ClinVar:

NM_013436.5(NCKAP1):c.1763G>A (p.Arg588Gln)

Gene: NCKAP1 (NCK associated protein 1; minus strand). Cytogenetic location: 2q32.1.
Variant type: single nucleotide variant.
Coding change: c.1763G>A on transcript NM_013436.5 (MANE Select); coding-DNA position 1763, G replaced by A.
Protein change: p.Arg588Gln; replaces arginine 588 with glutamine.
Molecular consequence: missense variant.
Genome position (GRCh38, 1-based): chr2:182,962,277, C>T on the plus strand (G>A on the coding strand, the complement: NCKAP1 is on the minus strand). VCF-style: chr2-182962277-C-T. GRCh37 (hg19) VCF-style: chr2-183827005-C-T.
Other names: c.1757G>A, p.Arg586Gln (NM_001437266.1); c.1775G>A, p.Arg592Gln (NM_001437267.1); c.1781G>A, p.Arg594Gln (NM_205842.3); short protein forms R586Q, R588Q, R592Q, R594Q.
Identifiers: ClinVar variation 5020478 (VCV005020478.1).
Genomic context (GRCh38, chr2:182,962,277, plus strand): 5'-TTGGCCATTTCATCTAGGAACATATTACATAAGGAAAGACTGCGATCTCCAATATGATGT[C>T]GCTGTGAAGGCAGAATAATAATAATAATACAAGTTATAAAGAAAGTACGTTGAATTAAAA-3'
Protein context (NP_038464.1, residues 578-598): SCTHELCPEE[Arg588Gln]HHIGDRSLSL

ClinVar aggregate classification (germline): Uncertain significance (1 of 4 stars; one submission).

gnomAD v4.1: 2 of 1,602,192 alleles (0.00012%); highest among the groups gnomAD compares: Non-Finnish European, 0.00017%; no homozygotes.

Submission:

Dasa
Classification: Uncertain significance. Last evaluated: 2026-08-08. Review status: criteria provided, single submitter. Criteria: DASA Assertion Criteria. Collection method: clinical testing. Allele origin: germline.
Comment: NM_013436.5(NCKAP1):c.1763G>A (p.Arg588Gln) is a missense variant that results in the substitution of arginine with glutamine. This variant is rare in population databases. Computational prediction algorithms are consistent with a deleterious effect. The currently available literature and clinical evidence are not sufficient to establish a definitive association between this variant and the reported condition. Therefore, this variant is classified as a variant of uncertain significance.